The following is an entry in ClinVar:

ClinVar aggregate classification (germline): Conflicting classifications of pathogenicity. Review status: criteria provided, conflicting classifications (1 of 4 stars). 3 submissions from 3 submitters: Uncertain significance (1); Likely benign (2). Last evaluated 2025-09-04.

Conditions:
Familial sleep-related hypermotor epilepsy. Also called: Autosomal Dominant Sleep-Related Hypermotor (Hyperkinetic) Epilepsy. Identifiers: Orphanet 98784, MedGen C3696898, MONDO:0000030.
Inborn genetic diseases. Identifiers: MedGen C0950123, MeSH D030342.

Allele frequency attached by ClinVar (database versions not stated): gnomAD 0.00001; gnomAD exomes 0.00001 and 0.00003; ExAC 0.00002.
gnomAD v4.1: 21 of 1,612,602 alleles (0.0013%); highest among the groups gnomAD compares: South Asian, 0.0066%; no homozygotes.

Submissions (3):

Labcorp Genetics (formerly Invitae), Labcorp
Classification: Likely benign. Last evaluated: 2025-09-04. Review status: criteria provided, single submitter. Criteria: Invitae Variant Classification Sherloc (09022015). Collection method: clinical testing. Allele origin: germline.

CeGaT Center for Human Genetics Tuebingen
Classification: Likely benign. Last evaluated: 2025-05-01. Review status: criteria provided, single submitter. Criteria: CeGaT Center For Human Genetics Tuebingen Variant Classification Criteria Version 2. Collection method: clinical testing. Allele origin: germline. Affected: yes. Observed: 1 variant allele.
Comment: CHRNA4: BS2

Ambry Genetics
Classification: Uncertain significance for Inborn genetic diseases. Last evaluated: 2021-08-16. Review status: criteria provided, single submitter. Criteria: Ambry Variant Classification Scheme 2023. Collection method: clinical testing. Allele origin: germline.

NM_000744.7(CHRNA4):c.190G>A (p.Val64Ile)

Gene: CHRNA4 (cholinergic receptor nicotinic alpha 4 subunit; minus strand). Cytogenetic location: 20q13.33.
Variant type: single nucleotide variant.
Coding change: c.190G>A on transcript NM_000744.7 (MANE Select); coding-DNA position 190, G replaced by A.
Protein change: p.Val64Ile; replaces valine 64 with isoleucine.
Molecular consequence: missense variant. On other transcripts: 5 prime UTR variant (1), non-coding transcript variant (1).
Genome position (GRCh38, 1-based): chr20:63,359,586, C>T on the plus strand (G>A on the coding strand, the complement: CHRNA4 is on the minus strand). VCF-style: chr20-63359586-C-T. GRCh37 (hg19) VCF-style: chr20-61990938-C-T.
Other names: c.-357G>A (NM_001256573.2); c.190G>A (NM_000744.5); short protein forms V64I.
Identifiers: ClinVar variation 1479539 (VCV001479539.17), dbSNP rs756367182, ClinGen allele CA9957951.